The following is an entry in ClinVar:

ClinVar aggregate classification (germline): Uncertain significance (1 of 4 stars; one submission).

Conditions:
Combined immunodeficiency due to DOCK8 deficiency (HIES2). Also called: HIES autosomal recessive; Hyper-IgE recurrent infection syndrome, autosomal recessive; HYPER-IgE RECURRENT INFECTION SYNDROME 2, AUTOSOMAL RECESSIVE; HYPER-IgE SYNDROME 2, AUTOSOMAL RECESSIVE, WITH RECURRENT INFECTIONS; DOCK8 Deficiency. Identifiers: Orphanet 217390, MedGen C4722305, MONDO:0009478, OMIM 243700.

Allele frequency attached by ClinVar (database versions not stated): gnomAD exomes below 0.00001.
gnomAD v4.1: 5 of 1,613,794 alleles (0.00031%); highest among the groups gnomAD compares: Non-Finnish European, 0.00034%; no homozygotes.

Submission:

Labcorp Genetics (formerly Invitae), Labcorp
Classification: Uncertain significance for Combined immunodeficiency due to DOCK8 deficiency. Last evaluated: 2022-06-20. Review status: criteria provided, single submitter. Criteria: Invitae Variant Classification Sherloc (09022015). Collection method: clinical testing. Allele origin: germline.
Comment: This sequence change replaces alanine, which is neutral and non-polar, with serine, which is neutral and polar, at codon 1673 of the DOCK8 protein (p.Ala1673Ser). This variant is not present in population databases (gnomAD no frequency). In summary, the available evidence is currently insufficient to determine the role of this variant in disease. Therefore, it has been classified as a Variant of Uncertain Significance. Algorithms developed to predict the effect of missense changes on protein structure and function (SIFT, PolyPhen-2, Align-GVGD) all suggest that this variant is likely to be tolerated. This variant has not been reported in the literature in individuals affected with DOCK8-related conditions.

NM_203447.4(DOCK8):c.5017G>T (p.Ala1673Ser)

Gene: DOCK8 (dedicator of cytokinesis 8; plus strand). Cytogenetic location: 9p24.3.
Variant type: single nucleotide variant.
Coding change: c.5017G>T on transcript NM_203447.4 (MANE Select); coding-DNA position 5017, G replaced by T.
Protein change: p.Ala1673Ser; replaces alanine 1673 with serine.
Molecular consequence: missense variant.
Genome position (GRCh38, 1-based): chr9:434,913, G>T. VCF-style: chr9-434913-G-T. GRCh37 (hg19) VCF-style: chr9-434913-G-T.
Other names: c.4717G>T, p.Ala1573Ser (NM_001190458.2); c.4813G>T, p.Ala1605Ser (NM_001193536.2); short protein forms A1573S, A1605S, A1673S.
Identifiers: ClinVar variation 1479702 (VCV001479702.6), dbSNP rs1178170951, ClinGen allele CA372767461.